The following is an entry in ClinVar:

NM_014159.7(SETD2):c.3064G>A (p.Asp1022Asn)

Gene: SETD2 (SET domain containing 2, histone lysine methyltransferase; minus strand). Cytogenetic location: 3p21.31.
Variant type: single nucleotide variant.
Coding change: c.3064G>A on transcript NM_014159.7 (MANE Select); coding-DNA position 3064, G replaced by A.
Protein change: p.Asp1022Asn; replaces aspartic acid 1022 with asparagine.
Molecular consequence: missense variant. On other transcripts: non-coding transcript variant (1).
Genome position (GRCh38, 1-based): chr3:47,121,572, C>T on the plus strand (G>A on the coding strand, the complement: SETD2 is on the minus strand). VCF-style: chr3-47121572-C-T. GRCh37 (hg19) VCF-style: chr3-47163062-C-T.
Other names: c.2932G>A, p.Asp978Asn (NM_001349370.3); short protein forms D1022N, D978N.
Identifiers: ClinVar variation 2579865 (VCV002579865.1), dbSNP rs2106654540, ClinGen allele CA352523844.

ClinVar aggregate classification (germline): Uncertain significance (1 of 4 stars; one submission).

Submission:

GeneDx
Classification: Uncertain significance. Last evaluated: 2023-03-14. Review status: criteria provided, single submitter. Criteria: GeneDx Variant Classification Process June 2021. Collection method: clinical testing. Allele origin: germline. Affected: yes.
Comment: Not observed at significant frequency in large population cohorts (gnomAD); In silico analysis supports that this missense variant has a deleterious effect on protein structure/function; Has not been previously published as pathogenic or benign to our knowledge